The following is an entry in ClinVar:

ClinVar aggregate classification (germline): Uncertain significance (1 of 4 stars; one submission).

gnomAD v4.1: 1 of 1,602,994 alleles (0.000062%); highest among the groups gnomAD compares: Non-Finnish European, 0.000085%; no homozygotes.

Submission:

GeneDx
Classification: Uncertain significance. Last evaluated: 2026-10-20. Review status: criteria provided, single submitter. Criteria: GeneDx Variant Classification Process June 2021. Collection method: clinical testing. Allele origin: germline.
Comment: Not observed at significant frequency in large population cohorts (gnomAD); In silico analysis supports that this missense variant has a deleterious effect on protein structure/function; Has not been previously published as pathogenic or benign to our knowledge

NM_001347721.2(DYRK1A):c.473A>T (p.Lys158Ile)

Gene: DYRK1A (dual specificity tyrosine phosphorylation regulated kinase 1A; plus strand). Cytogenetic location: 21q22.13.
Variant type: single nucleotide variant.
Coding change: c.473A>T on transcript NM_001347721.2 (MANE Select); coding-DNA position 473, A replaced by T.
Protein change: p.Lys158Ile; replaces lysine 158 with isoleucine.
Molecular consequence: missense variant.
Genome position (GRCh38, 1-based): chr21:37,480,810, A>T. VCF-style: chr21-37480810-A-T. GRCh37 (hg19) VCF-style: chr21-38853112-A-T.
Other names: c.473A>T, p.Lys158Ile (NM_001347722.2, NM_130436.2); c.386A>T, p.Lys129Ile (NM_001347723.2); c.500A>T, p.Lys167Ile (NM_001396.5, NM_101395.2, NM_130438.2); short protein forms K129I, K158I, K167I.
Identifiers: ClinVar variation 2577791 (VCV002577791.2), dbSNP rs1456204748, ClinGen allele CA409944656.